The following is an entry in ClinVar:

ClinVar aggregate classification (germline): Uncertain significance (1 of 4 stars; one submission).

Allele frequency attached by ClinVar (database versions not stated): gnomAD 0.00001; TOPMed 0.00002.
gnomAD v4.1: 2 of 1,611,642 alleles (0.00012%); highest among the groups gnomAD compares: African/African-American, 0.0027%; no homozygotes.

Submission:

Labcorp Genetics (formerly Invitae), Labcorp
Classification: Uncertain significance. Last evaluated: 2023-08-04. Review status: criteria provided, single submitter. Criteria: Invitae Variant Classification Sherloc (09022015). Collection method: clinical testing. Allele origin: germline.
Comment: In summary, the available evidence is currently insufficient to determine the role of this variant in disease. Therefore, it has been classified as a Variant of Uncertain Significance. Advanced modeling of protein sequence and biophysical properties (such as structural, functional, and spatial information, amino acid conservation, physicochemical variation, residue mobility, and thermodynamic stability) performed at Invitae indicates that this missense variant is expected to disrupt RMND1 protein function. ClinVar contains an entry for this variant (Variation ID: 2110406). This variant has not been reported in the literature in individuals affected with RMND1-related conditions. This variant is not present in population databases (gnomAD no frequency). This sequence change replaces threonine, which is neutral and polar, with lysine, which is basic and polar, at codon 413 of the RMND1 protein (p.Thr413Lys).

NM_017909.4(RMND1):c.1238C>A (p.Thr413Lys)

Gene: RMND1 (required for meiotic nuclear division 1 homolog; minus strand). Cytogenetic location: 6q25.1.
Variant type: single nucleotide variant.
Coding change: c.1238C>A on transcript NM_017909.4 (MANE Select); coding-DNA position 1238, C replaced by A.
Protein change: p.Thr413Lys; replaces threonine 413 with lysine.
Molecular consequence: missense variant.
Genome position (GRCh38, 1-based): chr6:151,405,799, G>T on the plus strand (C>A on the coding strand, the complement: RMND1 is on the minus strand). VCF-style: chr6-151405799-G-T. GRCh37 (hg19) VCF-style: chr6-151726934-G-T.
Other names: c.728C>A, p.Thr243Lys (NM_001271937.2); short protein forms T413K, T243K.
Identifiers: ClinVar variation 2110406 (VCV002110406.4), dbSNP rs1431121560, ClinGen allele CA366092187.